The following is an entry in ClinVar:

ClinVar aggregate classification (germline): Uncertain significance (1 of 4 stars; one submission).

Conditions:
Cardiovascular phenotype. Identifiers: MedGen CN230736.

Submission:

Ambry Genetics
Classification: Uncertain significance for Cardiovascular phenotype. Last evaluated: 2023-06-05. Review status: criteria provided, single submitter. Criteria: Ambry Variant Classification Scheme 2023. Collection method: clinical testing. Allele origin: germline.
Comment: The p.L113R variant (also known as c.338T>G), located in coding exon 2 of the SNTA1 gene, results from a T to G substitution at nucleotide position 338. The leucine at codon 113 is replaced by arginine, an amino acid with dissimilar properties. This amino acid position is conserved. In addition, this alteration is predicted to be deleterious by in silico analysis. Since supporting evidence is limited at this time, the clinical significance of this alteration remains unclear.

NM_003098.3(SNTA1):c.338T>G (p.Leu113Arg)

Gene: SNTA1 (syntrophin alpha 1; minus strand). Cytogenetic location: 20q11.21.
Variant type: single nucleotide variant.
Coding change: c.338T>G on transcript NM_003098.3 (MANE Select); coding-DNA position 338, T replaced by G.
Protein change: p.Leu113Arg; replaces leucine 113 with arginine.
Molecular consequence: missense variant.
Genome position (GRCh38, 1-based): chr20:33,438,999, A>C on the plus strand (T>G on the coding strand, the complement: SNTA1 is on the minus strand). VCF-style: chr20-33438999-A-C. GRCh37 (hg19) VCF-style: chr20-32026805-A-C.
Other names: short protein forms L113R.
Identifiers: ClinVar variation 2562678 (VCV002562678.2), dbSNP rs1990513713, ClinGen allele CA408633625.